The following is an entry in ClinVar:

ClinVar aggregate classification (germline): Likely benign (0 of 4 stars; one submission).

Conditions:
PODXL-related disorder. Also called: PODXL-related condition.

Allele frequency attached by ClinVar (database versions not stated): gnomAD exomes below 0.00001; gnomAD 0.00001; TOPMed 0.00002.
gnomAD v4.1: 6 of 1,567,502 alleles (0.00038%); highest among the groups gnomAD compares: Non-Finnish European, 0.00052%; no homozygotes.

Submission:

PreventionGenetics, part of Exact Sciences
Classification: Likely benign for PODXL-related condition. Last evaluated: 2022-12-19. Review status: no assertion criteria provided. Collection method: clinical testing. Allele origin: germline.
Comment: This variant is classified as likely benign based on ACMG/AMP sequence variant interpretation guidelines (Richards et al. 2015 PMID: 25741868, with internal and published modifications).

NM_001018111.3(PODXL):c.1461C>A (p.Leu487=)

Gene: PODXL (podocalyxin like; minus strand). Cytogenetic location: 7q32.3.
Variant type: single nucleotide variant.
Coding change: c.1461C>A on transcript NM_001018111.3 (MANE Select); coding-DNA position 1461, C replaced by A.
Protein change: p.Leu487=; no amino-acid change (leucine 487 retained).
Molecular consequence: synonymous variant.
Genome position (GRCh38, 1-based): chr7:131,505,886, G>T on the plus strand (C>A on the coding strand, the complement: PODXL is on the minus strand). VCF-style: chr7-131505886-G-T. GRCh37 (hg19) VCF-style: chr7-131190645-G-T.
Other names: c.1365C>A, p.Leu455= (NM_005397.4).
Identifiers: ClinVar variation 3054071 (VCV003054071.2), dbSNP rs760510403, ClinGen allele CA4488357.